The following is an entry in ClinVar:

NM_020964.3(EPG5):c.6595A>G (p.Ile2199Val)

Gene: EPG5 (ectopic P-granules 5 autophagy tethering factor; minus strand). Cytogenetic location: 18q12.3.
Variant type: single nucleotide variant.
Coding change: c.6595A>G on transcript NM_020964.3 (MANE Select); coding-DNA position 6595, A replaced by G.
Protein change: p.Ile2199Val; replaces isoleucine 2199 with valine.
Molecular consequence: missense variant.
Genome position (GRCh38, 1-based): chr18:45,866,824, T>C on the plus strand (A>G on the coding strand, the complement: EPG5 is on the minus strand). VCF-style: chr18-45866824-T-C. GRCh37 (hg19) VCF-style: chr18-43446789-T-C.
Other names: c.6595A>G, p.Ile2199Val (LRG_1234t1); short protein forms I2199V.
Identifiers: ClinVar variation 534597 (VCV000534597.2), dbSNP rs1555662276, ClinGen allele CA402338943.
Genomic context (GRCh38, chr18:45,866,824, plus strand): 5'-CAGTCTCTGCCTTTTAAACTACCTCTCAACTTACAAGATGCTTCTGGCTGTCAGTAGGAA[T>C]AGAAAGGCCCGCAGACACTTTTAGGAGCTTCATGATTAATTCAGCATAAGATTCTTTTGC-3'
Protein context (NP_066015.2, residues 2189-2209): KLLKVSAGLS[Ile2199Val]PTDSQKHLDA

ClinVar aggregate classification (germline): Uncertain significance (1 of 4 stars; one submission).

Conditions:
Vici syndrome (VICIS). Identifiers: Orphanet 1493, MedGen C1855772, MONDO:0009452, OMIM 242840.

Allele frequency attached by ClinVar (database versions not stated): gnomAD exomes below 0.00001.

Submission:

Labcorp Genetics (formerly Invitae), Labcorp
Classification: Uncertain significance for Vici syndrome. Last evaluated: 2017-12-14. Review status: criteria provided, single submitter. Criteria: Invitae Variant Classification Sherloc (09022015). Collection method: clinical testing. Allele origin: germline.
Comment: This sequence change replaces isoleucine with valine at codon 2199 of the EPG5 protein (p.Ile2199Val). The isoleucine residue is weakly conserved and there is a small physicochemical difference between isoleucine and valine. This variant is not present in population databases (ExAC no frequency). This variant has not been reported in the literature in individuals with EPG5-related disease. Algorithms developed to predict the effect of missense changes on protein structure and function output the following: SIFT: "Tolerated"; PolyPhen-2: "Benign"; Align-GVGD: "Class C0". The valine amino acid residue is found in multiple mammalian species, suggesting that this missense change does not adversely affect protein function. These predictions have not been confirmed by published functional studies and their clinical significance is uncertain. In summary, the available evidence is currently insufficient to determine the role of this variant in disease. Therefore, it has been classified as a Variant of Uncertain Significance.